The following is an entry in ClinVar:

NM_014797.3(ZBTB24):c.1641G>A (p.Ser547=)

Gene: ZBTB24 (zinc finger and BTB domain containing 24; minus strand). Cytogenetic location: 6q21.
Variant type: single nucleotide variant.
Coding change: c.1641G>A on transcript NM_014797.3 (MANE Select); coding-DNA position 1641, G replaced by A.
Protein change: p.Ser547=; no amino-acid change (serine 547 retained).
Molecular consequence: synonymous variant.
Genome position (GRCh38, 1-based): chr6:109,466,304, C>T on the plus strand (G>A on the coding strand, the complement: ZBTB24 is on the minus strand). VCF-style: chr6-109466304-C-T. GRCh37 (hg19) VCF-style: chr6-109787507-C-T.
Identifiers: ClinVar variation 2976210 (VCV002976210.4), dbSNP rs532563272, ClinGen allele CA3954043.

ClinVar aggregate classification (germline): Likely benign. Review status: criteria provided, multiple submitters, no conflicts (2 of 4 stars). 2 submissions from 2 submitters: Likely benign (2). Last evaluated 2025-05-27.

Conditions:
Immunodeficiency-centromeric instability-facial anomalies syndrome 2 (ICF2). Identifiers: Orphanet 2268, MedGen C3279748, MONDO:0013553, OMIM 614069.
ZBTB24-related disorder. Also called: ZBTB24-related condition.

Allele frequency attached by ClinVar (database versions not stated): TOPMed 0.00004; ExAC 0.00005; gnomAD 0.00007; 1000 Genomes Project 30x 0.00031; 1000 Genomes Project 0.00040.
gnomAD v4.1: 24 of 1,614,126 alleles (0.0015%); highest among the groups gnomAD compares: African/African-American, 0.017%; 1 homozygote.

Submissions (2):

Labcorp Genetics (formerly Invitae), Labcorp
Classification: Likely benign for Immunodeficiency-centromeric instability-facial anomalies syndrome 2. Last evaluated: 2025-05-27. Review status: criteria provided, single submitter. Criteria: Invitae Variant Classification Sherloc (09022015). Collection method: clinical testing. Allele origin: germline.

PreventionGenetics, part of Exact Sciences
Classification: Likely benign for ZBTB24-related condition. Last evaluated: 2025-01-31. Review status: criteria provided, single submitter. Criteria: ACMG Guidelines, 2015. Collection method: clinical testing. Allele origin: germline.
Comment: This variant is classified as likely benign based on ACMG/AMP sequence variant interpretation guidelines (Richards et al. 2015 PMID: 25741868, with internal and published modifications).